The following is an entry in ClinVar:

NM_145290.4(ADGRA3):c.3292T>A (p.Cys1098Ser)

Gene: ADGRA3 (adhesion G protein-coupled receptor A3; minus strand). Cytogenetic location: 4p15.2.
Variant type: single nucleotide variant.
Coding change: c.3292T>A on transcript NM_145290.4 (MANE Select); coding-DNA position 3292, T replaced by A.
Protein change: p.Cys1098Ser; replaces cysteine 1098 with serine.
Molecular consequence: missense variant.
Genome position (GRCh38, 1-based): chr4:22,388,379, A>T on the plus strand (T>A on the coding strand, the complement: ADGRA3 is on the minus strand). VCF-style: chr4-22388379-A-T. GRCh37 (hg19) VCF-style: chr4-22390002-A-T.
Other names: short protein forms C1098S.
Identifiers: ClinVar variation 2792534 (VCV002792534.3), dbSNP rs2474686831, ClinGen allele CA356473220.

ClinVar aggregate classification (germline): Uncertain significance (1 of 4 stars; one submission).

Submission:

Labcorp Genetics (formerly Invitae), Labcorp
Classification: Uncertain significance. Last evaluated: 2024-01-16. Review status: criteria provided, single submitter. Criteria: Invitae Variant Classification Sherloc (09022015). Collection method: clinical testing. Allele origin: germline.
Comment: This sequence change replaces cysteine, which is neutral and slightly polar, with serine, which is neutral and polar, at codon 1098 of the ADGRA3 protein (p.Cys1098Ser). This variant is not present in population databases (gnomAD no frequency). This variant has not been reported in the literature in individuals affected with ADGRA3-related conditions. An algorithm developed to predict the effect of missense changes on protein structure and function (PolyPhen-2) suggests that this variant is likely to be disruptive. In summary, the available evidence is currently insufficient to determine the role of this variant in disease. Therefore, it has been classified as a Variant of Uncertain Significance.